The following is an entry in ClinVar:

NM_006214.4(PHYH):c.581C>A (p.Thr194Lys)

Gene: PHYH (phytanoyl-CoA 2-hydroxylase; minus strand). Cytogenetic location: 10p13.
Variant type: single nucleotide variant.
Coding change: c.581C>A on transcript NM_006214.4 (MANE Select); coding-DNA position 581, C replaced by A.
Protein change: p.Thr194Lys; replaces threonine 194 with lysine.
Molecular consequence: missense variant. On other transcripts: intron variant (1).
Genome position (GRCh38, 1-based): chr10:13,288,457, G>T on the plus strand (C>A on the coding strand, the complement: PHYH is on the minus strand). VCF-style: chr10-13288457-G-T. GRCh37 (hg19) VCF-style: chr10-13330457-G-T.
Other names: c.281C>A, p.Thr94Lys (NM_001037537.2, NM_001323080.2); c.587C>A, p.Thr196Lys (NM_001323082.2); c.287C>A, p.Thr96Lys (NM_001323084.2); c.415-4618C>A (NM_001323083.2); short protein forms T94K, T196K, T194K, T96K.
Identifiers: ClinVar variation 844138 (VCV000844138.10), dbSNP rs141554572, ClinGen allele CA376035513.

ClinVar aggregate classification (germline): Uncertain significance. Review status: criteria provided, multiple submitters, no conflicts (2 of 4 stars). 2 submissions from 2 submitters: Uncertain significance (2). Last evaluated 2020-10-08.

Allele frequency attached by ClinVar (database versions not stated): TOPMed 0.00001.
gnomAD v4.1: 2 of 1,614,102 alleles (0.00012%); highest among the groups gnomAD compares: African/African-American, 0.0013%; no homozygotes.

Submissions (2):

Labcorp Genetics (formerly Invitae), Labcorp
Classification: Uncertain significance. Last evaluated: 2020-10-08. Review status: criteria provided, single submitter. Criteria: Invitae Variant Classification Sherloc (09022015). Collection method: clinical testing. Allele origin: germline.
Comment: In summary, the available evidence is currently insufficient to determine the role of this variant in disease. Therefore, it has been classified as a Variant of Uncertain Significance. Algorithms developed to predict the effect of sequence changes on RNA splicing suggest that this variant may create or strengthen a splice site, but this prediction has not been confirmed by published transcriptional studies. Algorithms developed to predict the effect of missense changes on protein structure and function (SIFT, PolyPhen-2, Align-GVGD) all suggest that this variant is likely to be disruptive, but these predictions have not been confirmed by published functional studies and their clinical significance is uncertain. This variant has not been reported in the literature in individuals with PHYH-related conditions. ClinVar contains an entry for this variant (Variation ID: 844138). This variant is not present in population databases (ExAC no frequency). This sequence change replaces threonine with lysine at codon 194 of the PHYH protein (p.Thr194Lys). The threonine residue is highly conserved and there is a moderate physicochemical difference between threonine and lysine.

Blueprint Genetics
Classification: Uncertain significance. Last evaluated: 2020-07-06. Review status: criteria provided, single submitter. Criteria: ACMG Guidelines, 2015. Collection method: clinical testing. Allele origin: germline.